The following is an entry in ClinVar:

ClinVar aggregate classification (germline): Pathogenic. Review status: criteria provided, multiple submitters, no conflicts (2 of 4 stars). 3 submissions from 3 submitters: Pathogenic (2). 1 of the submissions does not count toward it. Last evaluated 2024-08-09.

Conditions:
Bardet-Biedl syndrome 1 (BBS1). Identifiers: MedGen C2936862, MONDO:0008854, OMIM 209900. Disease mechanism: loss of function.
Bardet-Biedl syndrome (BBS). Identifiers: Orphanet 110, MedGen C0752166, MONDO:0015229.

Submissions (3):

Revvity Omics, Revvity
Classification: Pathogenic for Bardet-Biedl syndrome 1. Last evaluated: 2024-08-09. Review status: criteria provided, single submitter. Criteria: ACMG Guidelines, 2015. Collection method: clinical testing. Allele origin: germline.

Labcorp Genetics (formerly Invitae), Labcorp
Classification: Pathogenic for Bardet-Biedl syndrome. Last evaluated: 2023-08-04. Review status: criteria provided, single submitter. Criteria: Invitae Variant Classification Sherloc (09022015). Collection method: clinical testing. Allele origin: germline.
Comment: This variant is not present in population databases (gnomAD no frequency). This variant has not been reported in the literature in individuals affected with BBS1-related conditions. ClinVar contains an entry for this variant (Variation ID: 560428). For these reasons, this variant has been classified as Pathogenic. This sequence change creates a premature translational stop signal (p.Gln469*) in the BBS1 gene. It is expected to result in an absent or disrupted protein product. Loss-of-function variants in BBS1 are known to be pathogenic (PMID: 12118255, 21520335, 27032803).

Joint Genome Diagnostic Labs from Nijmegen and Maastricht, Radboudumc and MUMC+
Classification: Pathogenic for Bardet-Biedl syndrome 1. Last evaluated: 2016-09-01. Review status: no assertion criteria provided. Collection method: clinical testing. Allele origin: unknown. Affected: yes. Observed: 1 variant allele. Not counted in ClinVar's aggregate classification.

Literature cited by the submitters: PubMed 12118255 (cited by Labcorp Genetics (formerly Invitae), Labcorp); PubMed 21520335 (cited by Labcorp Genetics (formerly Invitae), Labcorp); PubMed 27032803 (cited by Labcorp Genetics (formerly Invitae), Labcorp).

NM_024649.5(BBS1):c.1405C>T (p.Gln469Ter)

Genes: BBS1 (Bardet-Biedl syndrome 1; plus strand), ZDHHC24 (zDHHC palmitoyltransferase 24; minus strand). Cytogenetic location: 11q13.2.
Variant type: single nucleotide variant.
Coding change: c.1405C>T on transcript NM_024649.5 (MANE Select); coding-DNA position 1405, C replaced by T.
Protein change: p.Gln469Ter; replaces glutamine 469 with a stop codon.
Molecular consequence: nonsense. On other transcripts: intron variant (1).
Genome position (GRCh38, 1-based): chr11:66,529,884, C>T. VCF-style: chr11-66529884-C-T. GRCh37 (hg19) VCF-style: chr11-66297355-C-T.
Other names: c.560-396G>A (NM_001348571.2); short protein forms Q469*.
Identifiers: ClinVar variation 560428 (VCV000560428.8), dbSNP rs1565289799, ClinGen allele CA381423981.